The following is an entry in ClinVar:

NM_000179.3(MSH6):c.2098C>T (p.Leu700Phe)

Gene: MSH6 (mutS homolog 6; plus strand). Cytogenetic location: 2p16.3.
Variant type: single nucleotide variant.
Coding change: c.2098C>T on transcript NM_000179.3 (MANE Select); coding-DNA position 2098, C replaced by T.
Protein change: p.Leu700Phe; replaces leucine 700 with phenylalanine.
Molecular consequence: missense variant.
Genome position (GRCh38, 1-based): chr2:47,800,081, C>T. VCF-style: chr2-47800081-C-T. GRCh37 (hg19) VCF-style: chr2-48027220-C-T.
Other names: c.1708C>T, p.Leu570Phe (NM_001281492.2); c.1192C>T, p.Leu398Phe (NM_001281493.2, NM_001281494.2); short protein forms L700F, L570F, L398F.
Identifiers: ClinVar variation 89252 (VCV000089252.14), dbSNP rs587779230, ClinGen allele CA009680.
Genomic context (GRCh38, chr2:47,800,081, plus strand): 5'-GCCCTCTCTGCTCTAGGTGGTTGTGTCTTCTACCTCAAAAAATGCCTTATTGATCAGGAG[C>T]TTTTATCAATGGCTAATTTTGAAGAATATATTCCCTTGGATTCTGACACAGTCAGCACTA-3'
Protein context (NP_000170.1, residues 690-710): YLKKCLIDQE[Leu700Phe]LSMANFEEYI

ClinVar aggregate classification (germline): Uncertain significance. Review status: criteria provided, multiple submitters, no conflicts (2 of 4 stars). 3 submissions from 3 submitters: Uncertain significance (3). Last evaluated 2025-07-30.

Conditions:
Hereditary cancer-predisposing syndrome. Also called: Tumor predisposition; Hereditary Cancer Syndrome; Hereditary neoplastic syndrome; Neoplastic Syndromes, Hereditary. Identifiers: Orphanet 140162, MedGen C0027672, MeSH D009386, MONDO:0015356.
Lynch syndrome. Identifiers: Orphanet 144, MedGen C4552100, MONDO:0005835. Disease mechanism: loss of function.
Hereditary nonpolyposis colorectal neoplasms. Identifiers: MedGen C0009405, MeSH D003123.

Submissions (3):

Ambry Genetics
Classification: Uncertain significance for Hereditary cancer-predisposing syndrome. Last evaluated: 2025-07-30. Review status: criteria provided, single submitter. Criteria: Ambry Variant Classification Scheme 2023. Collection method: clinical testing. Allele origin: germline.
Comment: The p.L700F variant (also known as c.2098C>T), located in coding exon 4 of the MSH6 gene, results from a C to T substitution at nucleotide position 2098. The leucine at codon 700 is replaced by phenylalanine, an amino acid with highly similar properties. This amino acid position is highly conserved in available vertebrate species. In addition, the in silico prediction for this alteration is inconclusive. Based on the available evidence, the clinical significance of this variant remains unclear.

Labcorp Genetics (formerly Invitae), Labcorp
Classification: Uncertain significance for Hereditary nonpolyposis colorectal neoplasms. Last evaluated: 2025-04-07. Review status: criteria provided, single submitter. Criteria: Invitae Variant Classification Sherloc (09022015). Collection method: clinical testing. Allele origin: germline.
Comment: This sequence change replaces leucine, which is neutral and non-polar, with phenylalanine, which is neutral and non-polar, at codon 700 of the MSH6 protein (p.Leu700Phe). This variant is not present in population databases (gnomAD no frequency). This missense change has been observed in individual(s) with MSH6-related conditions (PMID: 31204389). ClinVar contains an entry for this variant (Variation ID: 89252). An algorithm developed specifically for the MSH6 gene suggests that this missense change is likely to be deleterious (PMID: 23621914). In summary, the available evidence is currently insufficient to determine the role of this variant in disease. Therefore, it has been classified as a Variant of Uncertain Significance.

All of Us Research Program, National Institutes of Health
Classification: Uncertain significance for Lynch syndrome. Last evaluated: 2024-05-14. Review status: criteria provided, single submitter. Criteria: ACMG Guidelines, 2015. Collection method: clinical testing. Allele origin: germline. Inheritance: Autosomal dominant inheritance. Observed: 1 variant allele, 1 heterozygote.
Comment: This missense variant replaces leucine with phenylalanine at codon 700 of the MSH6 protein. Computational prediction suggests that this variant may have deleterious impact on protein structure and function (internally defined REVEL score threshold >= 0.7, PMID: 27666373). To our knowledge, functional studies have not been reported for this variant. This variant has been reported in a compound heterozygote individual affected with constitutional mismatch repair deficiency (PMID: 31204389). This variant has not been identified in the general population by the Genome Aggregation Database (gnomAD). The available evidence is insufficient to determine the role of this variant in disease conclusively. Therefore, this variant is classified as a Variant of Uncertain Significance.

This study involves interpretation of variants in research participants for the purpose of population health screening. Participant phenotype was not available at the time of variant classification. Additional details can be found in publication PMID: 35346344, PMCID: PMC8962531

Literature cited by the submitters: PubMed 31204389 (cited by Labcorp Genetics (formerly Invitae), Labcorp and All of Us Research Program, National Institutes of Health); PubMed 23621914 (cited by Labcorp Genetics (formerly Invitae), Labcorp).